The following is an entry in ClinVar:

ClinVar aggregate classification (germline): Uncertain significance (1 of 4 stars; one submission).

Conditions:
Emery-Dreifuss muscular dystrophy 5, autosomal dominant (EDMD5). Also called: EMERY-DREIFUSS MUSCULAR DYSTROPHY 5. Identifiers: Orphanet 261, MedGen C2751805, MONDO:0013072, OMIM 612999.

Allele frequency attached by ClinVar (database versions not stated): gnomAD exomes below 0.00001; TOPMed below 0.00001.
gnomAD v4.1: 2 of 1,613,762 alleles (0.00012%); highest among the groups gnomAD compares: Middle Eastern, 0.017%; no homozygotes.

Submission:

Labcorp Genetics (formerly Invitae), Labcorp
Classification: Uncertain significance for Emery-Dreifuss muscular dystrophy 5, autosomal dominant. Last evaluated: 2024-01-23. Review status: criteria provided, single submitter. Criteria: Invitae Variant Classification Sherloc (09022015). Collection method: clinical testing. Allele origin: germline.
Comment: This sequence change replaces threonine, which is neutral and polar, with proline, which is neutral and non-polar, at codon 3160 of the SYNE2 protein (p.Thr3160Pro). This variant is present in population databases (no rsID available, gnomAD 0.003%). This variant has not been reported in the literature in individuals affected with SYNE2-related conditions. ClinVar contains an entry for this variant (Variation ID: 2049752). An algorithm developed to predict the effect of missense changes on protein structure and function (PolyPhen-2) suggests that this variant is likely to be tolerated. In summary, the available evidence is currently insufficient to determine the role of this variant in disease. Therefore, it has been classified as a Variant of Uncertain Significance.

NM_182914.3(SYNE2):c.9478A>C (p.Thr3160Pro)

Gene: SYNE2 (spectrin repeat containing nuclear envelope protein 2; plus strand). Cytogenetic location: 14q23.2.
Variant type: single nucleotide variant.
Coding change: c.9478A>C on transcript NM_182914.3 (MANE Select); coding-DNA position 9478, A replaced by C.
Protein change: p.Thr3160Pro; replaces threonine 3160 with proline.
Molecular consequence: missense variant.
Genome position (GRCh38, 1-based): chr14:64,053,391, A>C. VCF-style: chr14-64053391-A-C. GRCh37 (hg19) VCF-style: chr14-64520109-A-C.
Other names: c.9478A>C, p.Thr3160Pro (NM_015180.6); short protein forms T3160P.
Identifiers: ClinVar variation 2049752 (VCV002049752.4), dbSNP rs1284016419, ClinGen allele CA389979836.
Genomic context (GRCh38, chr14:64,053,391, plus strand): 5'-ATGGTATTAGAACTCTCACCAAAAGAATTGGATGAAAAGAATTGTCAGGACAAACTAGAA[A>C]CTTCCTTACATGTTTTAAATCAGATAAAATCTCAATTACAGCAGCCATTACTTATAAATT-3'
Protein context (NP_878918.2, residues 3150-3170): DEKNCQDKLE[Thr3160Pro]SLHVLNQIKS